The following is an entry in ClinVar:

ClinVar aggregate classification (germline): Pathogenic (1 of 4 stars; one submission).

Submission:

Labcorp Genetics (formerly Invitae), Labcorp
Classification: Pathogenic. Last evaluated: 2022-02-19. Review status: criteria provided, single submitter. Criteria: Invitae Variant Classification Sherloc (09022015). Collection method: clinical testing. Allele origin: germline.
Comment: This sequence change creates a premature translational stop signal (p.Arg419Lysfs*14) in the MCM3AP gene. It is expected to result in an absent or disrupted protein product. Loss-of-function variants in MCM3AP are known to be pathogenic (PMID: 28633435). This variant is present in population databases (no rsID available, gnomAD 0.002%). This variant has not been reported in the literature in individuals affected with MCM3AP-related conditions. For these reasons, this variant has been classified as Pathogenic.

Literature cited by the submitters: PubMed 28633435.

NM_003906.5(MCM3AP):c.1256_1257del (p.Arg419fs)

Gene: MCM3AP (minichromosome maintenance complex component 3 associated protein; minus strand). Cytogenetic location: 21q22.3.
Variant type: Deletion.
Coding change: c.1256_1257del on transcript NM_003906.5 (MANE Select); coding-DNA positions 1256 to 1257, 2 bases deleted (GA; older notation c.1256_1257delGA).
Protein change: p.Arg419fs; shifts the reading frame from arginine 419.
Molecular consequence: frameshift variant.
Genome position (GRCh38, 1-based): chr21:46,283,801-46,283,802, TC deleted on the plus strand (GA on the coding strand, the reverse complement: MCM3AP is on the minus strand); deleting any 2 consecutive bases within chr21:46,283,801-46,283,803 gives the same sequence; the c. name uses the placement nearest the transcript's 3' end. VCF-style (leftmost placement, unchanged base first): chr21-46283800-TTC-T. GRCh37 (hg19) VCF-style: chr21-47703714-TTC-T.
Other names: short protein forms R419fs.
Identifiers: ClinVar variation 1897225 (VCV001897225.5), dbSNP rs1352520437, ClinGen allele CA638498974.
Genomic context (GRCh38, chr21:46,283,800, plus strand): 5'-TGCACTGGATGGCTGTGACTTCAGAGGGAGACAAGCCCCCAAGACTGTCTGTGCTCTCGC[TTC>T]TGTTACTCTGACGCGCCGGAGTTCCTCTTAGAGAATCTAGGGGTTCAGAGAATGGACACT-3'